The following is an entry in ClinVar:

ClinVar aggregate classification (germline): Uncertain significance. Review status: criteria provided, multiple submitters, no conflicts (2 of 4 stars). 6 submissions from 5 submitters: Uncertain significance (6). Last evaluated 2024-11-04.

Conditions:
Retinitis pigmentosa 39 (RP39). Identifiers: Orphanet 791, MedGen C3151138, MONDO:0013436, OMIM 613809.
Usher syndrome type 2A. Also called: RETINAL DISEASE IN USHER SYNDROME TYPE IIA, MODIFIER OF; USHER SYNDROME, TYPE IIA. Identifiers: Orphanet 231178, Orphanet 886, MedGen C1848634, MONDO:0010169, OMIM 276901.

Allele frequency attached by ClinVar (database versions not stated): gnomAD 0.00001; ExAC 0.00003; gnomAD exomes 0.00003; TOPMed 0.00004.
gnomAD v4.1: 54 of 1,613,942 alleles (0.0033%); highest among the groups gnomAD compares: Non-Finnish European, 0.0037%; no homozygotes.

Submissions (6):

Labcorp Genetics (formerly Invitae), Labcorp
Classification: Uncertain significance. Last evaluated: 2024-11-04. Review status: criteria provided, single submitter. Criteria: Invitae Variant Classification Sherloc (09022015). Collection method: clinical testing. Allele origin: germline.
Comment: This sequence change replaces arginine, which is basic and polar, with histidine, which is basic and polar, at codon 1578 of the USH2A protein (p.Arg1578His). This variant is present in population databases (rs552928943, gnomAD 0.004%). This variant has not been reported in the literature in individuals affected with USH2A-related conditions. ClinVar contains an entry for this variant (Variation ID: 1675148). Invitae Evidence Modeling of protein sequence and biophysical properties (such as structural, functional, and spatial information, amino acid conservation, physicochemical variation, residue mobility, and thermodynamic stability) indicates that this missense variant is not expected to disrupt USH2A protein function with a negative predictive value of 95%. This variant disrupts the p.Arg1578 amino acid residue in USH2A. Other variant(s) that disrupt this residue have been determined to be pathogenic (PMID: 22135276, 24618324, 29142287, 29625443). This suggests that this residue is clinically significant, and that variants that disrupt this residue are likely to be disease-causing. In summary, the available evidence is currently insufficient to determine the role of this variant in disease. Therefore, it has been classified as a Variant of Uncertain Significance.

Genome-Nilou Lab
Classification: Uncertain significance for Retinitis pigmentosa 39. Last evaluated: 2023-11-04. Review status: criteria provided, single submitter. Criteria: ACMG Guidelines, 2015. Collection method: clinical testing. Allele origin: germline. Affected: no.

Genome-Nilou Lab
Classification: Uncertain significance for Usher syndrome type 2A. Last evaluated: 2023-11-04. Review status: criteria provided, single submitter. Criteria: ACMG Guidelines, 2015. Collection method: clinical testing. Allele origin: germline. Affected: no.

GeneDx
Classification: Uncertain significance. Last evaluated: 2023-07-02. Review status: criteria provided, single submitter. Criteria: GeneDx Variant Classification Process June 2021. Collection method: clinical testing. Allele origin: germline. Affected: yes.
Comment: Not observed at significant frequency in large population cohorts (gnomAD); In silico analysis supports that this missense variant has a deleterious effect on protein structure/function; Has not been previously published as pathogenic or benign to our knowledge

Blueprint Genetics
Classification: Uncertain significance. Last evaluated: 2021-08-23. Review status: criteria provided, single submitter. Criteria: ACMG Guidelines, 2015. Collection method: clinical testing. Allele origin: germline.

Center for Genomics, Ann and Robert H. Lurie Children's Hospital of Chicago
Classification: Uncertain significance for Retinitis pigmentosa 39; Usher syndrome type 2A. Review status: criteria provided, single submitter. Criteria: ACMG Guidelines, 2015. Collection method: clinical testing. Allele origin: germline.
Comment: USH2A NM_206933.2 exon 22 p.Arg1578His (c.4733G>A): This variant has not been reported in the literature but is present in 0.003% (2/68030) of European alleles in the Genome Aggregation Database. Evolutionary conservation and computational predictive tools for this variant are unclear. Of note, another variant at this position has been reported in association with disease (p.Arg1578Cys), increasing suspicion of pathogenicity for this variant. In summary, data on this variant is highly suspicious for disease, but requires further evidence for pathogenicity. Therefore, the clinical significance of this variant is uncertain.

Literature cited by the submitters: PubMed 22135276 (cited by Labcorp Genetics (formerly Invitae), Labcorp); PubMed 24618324 (cited by Labcorp Genetics (formerly Invitae), Labcorp); PubMed 29142287 (cited by Labcorp Genetics (formerly Invitae), Labcorp); PubMed 29625443 (cited by Labcorp Genetics (formerly Invitae), Labcorp).

NM_206933.4(USH2A):c.4733G>A (p.Arg1578His)

Gene: USH2A (usherin; minus strand). Cytogenetic location: 1q41.
Variant type: single nucleotide variant.
Coding change: c.4733G>A on transcript NM_206933.4 (MANE Select); coding-DNA position 4733, G replaced by A.
Protein change: p.Arg1578His; replaces arginine 1578 with histidine.
Molecular consequence: missense variant.
Genome position (GRCh38, 1-based): chr1:216,097,108, C>T on the plus strand (G>A on the coding strand, the complement: USH2A is on the minus strand). VCF-style: chr1-216097108-C-T. GRCh37 (hg19) VCF-style: chr1-216270450-C-T.
Other names: c.4733G>A (NM_206933.2); short protein forms R1578H.
Identifiers: ClinVar variation 1675148 (VCV001675148.8), dbSNP rs552928943, ClinGen allele CA1395640.
Genomic context (GRCh38, chr1:216,097,108, plus strand): 5'-CTTAAAAATATTAAAGTTTATGATTTCTCATTTACCTGAGGATCAAAAAGAAAATAAAGA[C>T]GTCCCTTCTTCAACTGAAGTGCAAAATACTCTTCCTGATTGCCAGGTGATGCTGCAAAGA-3'
Protein context (NP_996816.3, residues 1568-1588): EYFALQLKKG[Arg1578His]LYFLFDPQGS